The following is an entry in ClinVar:

ClinVar aggregate classification (germline): Uncertain significance (1 of 4 stars; one submission).

Conditions:
Agammaglobulinemia 7, autosomal recessive (AGM7). Also called: AGAMMAGLOBULINEMIA, AUTOSOMAL RECESSIVE, DUE TO PIK3R1 DEFECT. Identifiers: MedGen C3554689, MONDO:0014083, OMIM 615214.
SHORT syndrome. Also called: PIK3R1-Related SHORT Syndrome; LIPODYSTROPHY, PARTIAL, WITH RIEGER ANOMALY AND SHORT STATURE; SHORT STATURE, HYPEREXTENSIBILITY, HERNIA, OCULAR DEPRESSION, RIEGER ANOMALY, AND TEETHING DELAY. Identifiers: Orphanet 3163, MedGen C0878684, MONDO:0010026, OMIM 269880.
Immunodeficiency 36 with lymphoproliferation. Also called: Activated PI3K Delta Syndrome Type 2 (APDS2); Immunodeficiency 36; ACTIVATED PI3K-DELTA SYNDROME 2. Identifiers: Orphanet 397596, Orphanet 693681, MedGen C4014934, MONDO:0014453, OMIM 616005.

Allele frequency attached by ClinVar (database versions not stated): ExAC 0.00001; gnomAD 0.00002; gnomAD exomes 0.00002; TOPMed 0.00002.
gnomAD v4.1: 29 of 1,613,618 alleles (0.0018%); highest among the groups gnomAD compares: South Asian, 0.0077%; no homozygotes.

Submission:

Labcorp Genetics (formerly Invitae), Labcorp
Classification: Uncertain significance for SHORT syndrome; Immunodeficiency 36 with lymphoproliferation; Agammaglobulinemia 7, autosomal recessive. Last evaluated: 2023-01-01. Review status: criteria provided, single submitter. Criteria: Invitae Variant Classification Sherloc (09022015). Collection method: clinical testing. Allele origin: germline.
Comment: In summary, the available evidence is currently insufficient to determine the role of this variant in disease. Therefore, it has been classified as a Variant of Uncertain Significance. Algorithms developed to predict the effect of missense changes on protein structure and function are either unavailable or do not agree on the potential impact of this missense change (SIFT: "Deleterious"; PolyPhen-2: "Possibly Damaging"; Align-GVGD: "Class C0"). This variant has not been reported in the literature in individuals affected with PIK3R1-related conditions. This variant is present in population databases (rs751832841, gnomAD 0.01%). This sequence change replaces aspartic acid, which is acidic and polar, with asparagine, which is neutral and polar, at codon 178 of the PIK3R1 protein (p.Asp178Asn).

NM_181523.3(PIK3R1):c.532G>A (p.Asp178Asn)

Gene: PIK3R1 (phosphoinositide-3-kinase regulatory subunit 1; plus strand). Cytogenetic location: 5q13.1.
Variant type: single nucleotide variant.
Coding change: c.532G>A on transcript NM_181523.3 (MANE Select); coding-DNA position 532, G replaced by A.
Protein change: p.Asp178Asn; replaces aspartic acid 178 with asparagine.
Molecular consequence: missense variant.
Genome position (GRCh38, 1-based): chr5:68,279,631, G>A. VCF-style: chr5-68279631-G-A. GRCh37 (hg19) VCF-style: chr5-67575459-G-A.
Other names: short protein forms D178N.
Identifiers: ClinVar variation 2149400 (VCV002149400.4), dbSNP rs751832841, ClinGen allele CA3290064.